The following is an entry in ClinVar:

NM_032444.4(SLX4):c.1243G>A (p.Glu415Lys)

Gene: SLX4 (SLX4 structure-specific endonuclease subunit; minus strand). Cytogenetic location: 16p13.3.
Variant type: single nucleotide variant.
Coding change: c.1243G>A on transcript NM_032444.4 (MANE Select); coding-DNA position 1243, G replaced by A.
Protein change: p.Glu415Lys; replaces glutamic acid 415 with lysine.
Molecular consequence: missense variant.
Genome position (GRCh38, 1-based): chr16:3,597,920, C>T on the plus strand (G>A on the coding strand, the complement: SLX4 is on the minus strand). VCF-style: chr16-3597920-C-T. GRCh37 (hg19) VCF-style: chr16-3647921-C-T.
Other names: short protein forms E415K.
Identifiers: ClinVar variation 840380 (VCV000840380.8), dbSNP rs146021821, ClinGen allele CA7866577.

ClinVar aggregate classification (germline): Uncertain significance. Review status: criteria provided, multiple submitters, no conflicts (2 of 4 stars). 3 submissions from 3 submitters: Uncertain significance (3). Last evaluated 2024-07-29.

Conditions:
Fanconi anemia complementation group P. Also called: SLX4-Related Fanconi Anemia. Identifiers: Orphanet 84, MedGen C3469542, MONDO:0013499, OMIM 613951.
Fanconi anemia (FA). Also called: Fanconi's anemia. Identifiers: Orphanet 84, MedGen C0015625, MeSH D005199, MONDO:0019391.

Allele frequency attached by ClinVar (database versions not stated): ExAC 0.00003; gnomAD exomes 0.00003; gnomAD 0.00006; ESP Exome Variant Server 0.00008; TOPMed 0.00009.

Submissions (3):

St. Jude Molecular Pathology, St. Jude Children's Research Hospital
Classification: Uncertain significance for Fanconi anemia complementation group P. Last evaluated: 2024-07-29. Review status: criteria provided, single submitter. Criteria: St. Jude Assertion Criteria 2020. Collection method: clinical testing. Allele origin: germline.
Comment: The SLX4 c.1243G>A (p.Glu415Lys) missense change has a maximum subpopulation frequency of 0.016% in gnomAD v2.1.1. The in silico tool REVEL predicts a benign effect of this variant on protein function, and to our knowledge functional studies have not been performed. This variant has been observed in individuals with aplastic anemia and breast cancer (PMID: 23840564, 24763404). To our knowledge, this variant has not been reported in individuals with Fanconi anemia. In summary, the evidence currently available is insufficient to determine the clinical significance of this variant. It has therefore been classified as of uncertain significance.

Fulgent Genetics
Classification: Uncertain significance for Fanconi anemia complementation group P. Last evaluated: 2024-03-26. Review status: criteria provided, single submitter. Criteria: ACMG Guidelines, 2015. Collection method: clinical testing. Allele origin: germline.

Labcorp Genetics (formerly Invitae), Labcorp
Classification: Uncertain significance for Fanconi anemia. Last evaluated: 2022-10-05. Review status: criteria provided, single submitter. Criteria: Invitae Variant Classification Sherloc (09022015). Collection method: clinical testing. Allele origin: germline.
Comment: This sequence change replaces glutamic acid, which is acidic and polar, with lysine, which is basic and polar, at codon 415 of the SLX4 protein (p.Glu415Lys). This variant is present in population databases (rs146021821, gnomAD 0.02%). This missense change has been observed in individual(s) with aplastic anemia and/or breast cancer (PMID: 23840564, 24763404). ClinVar contains an entry for this variant (Variation ID: 840380). Algorithms developed to predict the effect of missense changes on protein structure and function output the following: SIFT: "Tolerated"; PolyPhen-2: "Possibly Damaging"; Align-GVGD: "Class C0". The lysine amino acid residue is found in multiple mammalian species, which suggests that this missense change does not adversely affect protein function. In summary, the available evidence is currently insufficient to determine the role of this variant in disease. Therefore, it has been classified as a Variant of Uncertain Significance.

Literature cited by the submitters: PubMed 23840564 (cited by Labcorp Genetics (formerly Invitae), Labcorp); PubMed 24763404 (cited by Labcorp Genetics (formerly Invitae), Labcorp).